The following is an entry in ClinVar:

ClinVar aggregate classification (germline): Uncertain significance (1 of 4 stars; one submission).

Allele frequency attached by ClinVar (database versions not stated): gnomAD exomes below 0.00001.
gnomAD v4.1: 1 of 1,614,194 alleles (0.000062%); highest among the groups gnomAD compares: Non-Finnish European, 0.000085%; no homozygotes.

Submission:

CeGaT Center for Human Genetics Tuebingen
Classification: Uncertain significance. Last evaluated: 2022-07-01. Review status: criteria provided, single submitter. Criteria: CeGaT Center For Human Genetics Tuebingen Variant Classification Criteria Version 2. Collection method: clinical testing. Allele origin: germline. Affected: yes. Observed: 1 variant allele.
Comment: FBXO7: PM2, BP4

NM_012179.4(FBXO7):c.542A>G (p.His181Arg)

Gene: FBXO7 (F-box protein 7; plus strand). Cytogenetic location: 22q12.3.
Variant type: single nucleotide variant.
Coding change: c.542A>G on transcript NM_012179.4 (MANE Select); coding-DNA position 542, A replaced by G.
Protein change: p.His181Arg; replaces histidine 181 with arginine.
Molecular consequence: missense variant.
Genome position (GRCh38, 1-based): chr22:32,484,021, A>G. VCF-style: chr22-32484021-A-G. GRCh37 (hg19) VCF-style: chr22-32880008-A-G.
Other names: c.305A>G, p.His102Arg (NM_001033024.2); c.200A>G, p.His67Arg (NM_001257990.2); short protein forms H102R, H181R, H67R.
Identifiers: ClinVar variation 1701435 (VCV001701435.31), dbSNP rs956153738, ClinGen allele CA323431214.